The following is an entry in ClinVar:

NM_001267550.2(TTN):c.25087G>T (p.Ala8363Ser)

Gene: TTN (titin; minus strand). Cytogenetic location: 2q31.2.
Variant type: single nucleotide variant.
Coding change: c.25087G>T on transcript NM_001267550.2 (MANE Select); coding-DNA position 25087, G replaced by T.
Protein change: p.Ala8363Ser; replaces alanine 8363 with serine.
Molecular consequence: missense variant. On other transcripts: intron variant (3).
Genome position (GRCh38, 1-based): chr2:178,717,787, C>A on the plus strand (G>T on the coding strand, the complement: TTN is on the minus strand). VCF-style: chr2-178717787-C-A. GRCh37 (hg19) VCF-style: chr2-179582514-C-A.
Other names: p.A8046S:GCA>TCA; p.Ala8046Ser; c.13282+20295G>T (NM_003319.4); c.13858+20295G>T (NM_133437.4); c.13657+20295G>T (NM_133432.3); c.24136G>T, p.Ala8046Ser (NM_001256850.1); c.21355G>T, p.Ala7119Ser (NM_133378.4); short protein forms A8363S, A7119S, A8046S.
Identifiers: ClinVar variation 46752 (VCV000046752.38), dbSNP rs200972189, ClinGen allele CA139118.

ClinVar aggregate classification (germline): Conflicting classifications of pathogenicity. Review status: criteria provided, conflicting classifications (1 of 4 stars). 14 submissions from 14 submitters: Uncertain significance (4); Likely benign (7). 3 of the submissions do not count toward it. Last evaluated 2026-05-27.

Conditions:
TTN-related disorder. Also called: TTN-related condition; TTN-related disease; TTN-related disorders.
Autosomal recessive limb-girdle muscular dystrophy type 2J (LGMDR10). Also called: Limb-girdle muscular dystrophy, type 2J; MUSCULAR DYSTROPHY, LIMB-GIRDLE, AUTOSOMAL RECESSIVE 10. Identifiers: Orphanet 140922, MedGen C1837342, MONDO:0012127, OMIM 608807.
Dilated cardiomyopathy 1G (CMD1G). Identifiers: Orphanet 154, MedGen C1858763, MONDO:0011400, OMIM 604145.

Allele frequency attached by ClinVar (database versions not stated): TOPMed 0.00068; ESP Exome Variant Server 0.00093; 1000 Genomes Project 0.00100; 1000 Genomes Project 30x 0.00125.
gnomAD v4.1: 228 of 1,607,364 alleles (0.014%); highest among the groups gnomAD compares: African/African-American, 0.25%; no homozygotes.

Submissions (14):

Women's Health and Genetics/Laboratory Corporation of America, LabCorp
Classification: Likely benign. Last evaluated: 2026-05-27. Review status: criteria provided, single submitter. Criteria: LabCorp Variant Classification Summary - May 2015. Collection method: clinical testing. Allele origin: germline.
Comment: Variant summary: TTN c.21355G>T (p.Ala7119Ser) results in a conservative amino acid change in the encoded protein sequence. Algorithms developed to predict the effect of missense changes on protein structure and function are either unavailable or do not agree on the potential impact of this missense change. The variant allele was found at a frequency of 0.00021 in 242328 control chromosomes, predominantly at a frequency of 0.0026 within the African or African-American subpopulation in the gnomAD database. The observed variant frequency within African or African-American control individuals in the gnomAD database exceeds the estimated maximal expected allele frequency for disease-causing variants in TTN. To our knowledge, no occurrence of c.21355G>T in individuals affected with TTN-related conditions and no experimental evidence demonstrating its impact on protein function have been reported. ClinVar contains an entry for this variant (Variation ID: 46752). Based on the evidence outlined above, the variant was classified as likely benign.

Labcorp Genetics (formerly Invitae), Labcorp
Classification: Likely benign for Dilated cardiomyopathy 1G; Autosomal recessive limb-girdle muscular dystrophy type 2J. Last evaluated: 2026-02-02. Review status: criteria provided, single submitter. Criteria: Invitae Variant Classification Sherloc (09022015). Collection method: clinical testing. Allele origin: germline.

ARUP Laboratories, Molecular Genetics and Genomics, ARUP Laboratories
Classification: Likely benign. Last evaluated: 2025-05-20. Review status: criteria provided, single submitter. Criteria: ARUP Molecular Germline Variant Investigation Process 2024. Collection method: clinical testing. Allele origin: germline.

Molecular Diagnostic Laboratory for Inherited Cardiovascular Disease, Montreal Heart Institute
Classification: Likely benign. Last evaluated: 2025-04-09. Review status: criteria provided, single submitter. Criteria: ACMG Guidelines, 2015. Collection method: clinical testing. Allele origin: germline. Affected: no.

Blueprint Genetics
Classification: Likely benign. Last evaluated: 2024-07-02. Review status: criteria provided, single submitter. Criteria: ACMG Guidelines, 2015. Collection method: clinical testing. Allele origin: germline.

Mayo Clinic Laboratories, Mayo Clinic
Classification: Likely benign. Last evaluated: 2022-11-02. Review status: criteria provided, single submitter. Criteria: ACMG Guidelines, 2015. Collection method: clinical testing. Allele origin: germline. Observed: 3 variant alleles.

GeneDx
Classification: Likely benign. Last evaluated: 2020-06-24. Review status: criteria provided, single submitter. Criteria: GeneDx Variant Classification Process June 2021. Collection method: clinical testing. Allele origin: germline. Affected: yes.

Eurofins Ntd Llc (ga)
Classification: Uncertain significance. Last evaluated: 2018-07-03. Review status: criteria provided, single submitter. Criteria: EGL ClinVar v180209 classification definitions. Collection method: clinical testing. Allele origin: germline. Observed: 5 variant alleles, 5 heterozygotes.

Athena Diagnostics
Classification: Uncertain significance. Last evaluated: 2017-06-20. Review status: criteria provided, single submitter. Criteria: Athena Diagnostics Criteria. Collection method: clinical testing. Allele origin: germline.

Genetic Services Laboratory, University of Chicago
Classification: Uncertain significance. Last evaluated: 2013-08-26. Review status: criteria provided, single submitter. Criteria: ACMG Guidelines, 2007. Collection method: clinical testing. Allele origin: germline.

Laboratory for Molecular Medicine, Mass General Brigham Personalized Medicine
Classification: Uncertain significance. Last evaluated: 2012-03-16. Review status: criteria provided, single submitter. Criteria: LMM Criteria. Collection method: clinical testing. Allele origin: germline. Observed: 1 variant allele.
Comment: Variant classified as Uncertain Significance - Favor Benign. The Ala7119Ser vari ant in TTN has been identified in 0.2% (7/2996) of African American chromosomes from a broad population by the NHLBI Exome Sequencing Project. Computational analyses (biochemical amino acid properties, con servation, AlignGVGD, PolyPhen2, and SIFT) do not provide strong support for or against an impact to the protein. While this frequency suggests that Ala7119Ser variant is more likely benign, it is too low to confidently rule out a disease c ausing role. Additional information is needed to fully assess its clinical signi ficance.

PreventionGenetics, part of Exact Sciences
Classification: Likely benign for TTN-related condition. Last evaluated: 2023-06-27. Review status: no assertion criteria provided. Collection method: clinical testing. Allele origin: germline. Not counted in ClinVar's aggregate classification.
Comment: This variant is classified as likely benign based on ACMG/AMP sequence variant interpretation guidelines (Richards et al. 2015 PMID: 25741868, with internal and published modifications).

Clinical Genetics DNA and cytogenetics Diagnostics Lab, Erasmus MC, Erasmus Medical Center
Classification: Benign. Review status: no assertion criteria provided. Collection method: clinical testing. Allele origin: germline. Affected: yes. Study: VKGL Data-share Consensus. Not counted in ClinVar's aggregate classification.

Clinical Genetics, Academic Medical Center
Classification: Benign. Review status: no assertion criteria provided. Collection method: clinical testing. Allele origin: germline. Affected: yes. Study: VKGL Data-share Consensus. Not counted in ClinVar's aggregate classification.